The following is an entry in ClinVar:

NC_000008.10:g.(?_118811951)_(118812156_?)del

Gene: EXT1 (exostosin glycosyltransferase 1; minus strand). Cytogenetic location: 8q24.11.
Variant type: Deletion.
Identifiers: ClinVar variation 2422393 (VCV002422393.3).

ClinVar aggregate classification (germline): Pathogenic (1 of 4 stars; one submission).

Conditions:
Multiple congenital exostosis (EXT). Also called: Hereditary multiple osteochondromas; Multiple exostoses; Multiple osteochondromas; MULTIPLE CARTILAGINOUS EXOSTOSES; Hereditary multiple exostoses; Hereditary multiple exostosis. Identifiers: Orphanet 321, MedGen C0015306, MONDO:0005508, HP:0002762.

Submission:

Labcorp Genetics (formerly Invitae), Labcorp
Classification: Pathogenic for Multiple congenital exostosis. Last evaluated: 2022-08-10. Review status: criteria provided, single submitter. Criteria: Invitae Variant Classification Sherloc (09022015). Collection method: clinical testing. Allele origin: germline.
Comment: This variant is a gross deletion of the genomic region encompassing exon(s) 11 of the EXT1 gene, which includes the termination codon. This deletion extends beyond the assayed region for this gene and therefore may encompass additional genes. While this deletion is not anticipated to lead to nonsense mediated decay, it is expected to alter mRNA translation or result in a truncated protein product. A similar copy number variant has been observed in individual(s) with mutiple osteochondromas (PMID: 21499719). In at least one individual the variant was observed to be de novo. For these reasons, this variant has been classified as Pathogenic.

Literature cited by the submitters: PubMed 21499719.